The following is an entry in ClinVar:

ClinVar aggregate classification (germline): Uncertain significance. Review status: criteria provided, multiple submitters, no conflicts (2 of 4 stars). 3 submissions from 2 submitters: Uncertain significance (3). Last evaluated 2026-01-19.

Conditions:
Autosomal recessive nonsyndromic hearing loss 7. Also called: DEAFNESS, AUTOSOMAL RECESSIVE 11. Identifiers: Orphanet 90636, MedGen C1832978, MONDO:0010967, OMIM 600974.
Autosomal dominant nonsyndromic hearing loss 36. Identifiers: Orphanet 90635, MedGen C1847626, MONDO:0011708, OMIM 606705.

Allele frequency attached by ClinVar (database versions not stated): gnomAD 0.00002.
gnomAD v4.1: 50 of 1,550,332 alleles (0.0032%); highest among the groups gnomAD compares: South Asian, 0.02%; no homozygotes.

Submissions (3):

Labcorp Genetics (formerly Invitae), Labcorp
Classification: Uncertain significance. Last evaluated: 2026-01-19. Review status: criteria provided, single submitter. Criteria: Invitae Variant Classification Sherloc (09022015). Collection method: clinical testing. Allele origin: germline.
Comment: This sequence change replaces arginine, which is basic and polar, with histidine, which is basic and polar, at codon 759 of the TMC1 protein (p.Arg759His). This variant is present in population databases (rs765191961, gnomAD 0.01%). This missense change has been observed in individual(s) with deafness (PMID: 29654653). ClinVar contains an entry for this variant (Variation ID: 912833). Invitae Evidence Modeling of protein sequence and biophysical properties (such as structural, functional, and spatial information, amino acid conservation, physicochemical variation, residue mobility, and thermodynamic stability) indicates that this missense variant is not expected to disrupt TMC1 protein function with a negative predictive value of 80%. In summary, the available evidence is currently insufficient to determine the role of this variant in disease. Therefore, it has been classified as a Variant of Uncertain Significance.

Illumina Laboratory Services, Illumina
Classification: Uncertain significance for Autosomal dominant nonsyndromic hearing loss 36. Last evaluated: 2017-04-27. Review status: criteria provided, single submitter. Criteria: ICSL Variant Classification Criteria 13 December 2019. Collection method: clinical testing. Allele origin: germline.

Illumina Laboratory Services, Illumina
Classification: Uncertain significance for Autosomal recessive nonsyndromic hearing loss 7. Last evaluated: 2017-04-27. Review status: criteria provided, single submitter. Criteria: ICSL Variant Classification Criteria 13 December 2019. Collection method: clinical testing. Allele origin: germline.

Literature cited by the submitters: PubMed 29654653 (cited by Labcorp Genetics (formerly Invitae), Labcorp).

NM_138691.3(TMC1):c.2276G>A (p.Arg759His)

Gene: TMC1 (transmembrane channel like 1; plus strand). Cytogenetic location: 9q21.13.
Variant type: single nucleotide variant.
Coding change: c.2276G>A on transcript NM_138691.3 (MANE Select); coding-DNA position 2276, G replaced by A.
Protein change: p.Arg759His; replaces arginine 759 with histidine.
Molecular consequence: missense variant.
Genome position (GRCh38, 1-based): chr9:72,835,966, G>A. VCF-style: chr9-72835966-G-A. GRCh37 (hg19) VCF-style: chr9-75450882-G-A.
Other names: short protein forms R759H.
Identifiers: ClinVar variation 912833 (VCV000912833.5), dbSNP rs765191961, ClinGen allele CA5082278.